The following is an entry in ClinVar:

ClinVar aggregate classification (germline): Conflicting classifications of pathogenicity. Review status: criteria provided, conflicting classifications (1 of 4 stars). 5 submissions from 5 submitters: Uncertain significance (4); Likely benign (1). Last evaluated 2025-07-28.

Conditions:
Global developmental delay - lung cysts - overgrowth - Wilms tumor syndrome. Also called: GLOBAL DEVELOPMENTAL DELAY, LUNG CYSTS, OVERGROWTH, AND WILMS TUMOR; GLOW Syndrome. Identifiers: Orphanet 404476, MedGen C4748924, MONDO:0018445, OMIM 618272.
DICER1-related disorder. Also called: DICER1-related condition.
DICER1-related tumor predisposition. Also called: DICER1 syndrome; DICER1-related pleuropulmonary blastoma cancer predisposition syndrome. Identifiers: Orphanet 284343, MedGen C3839822, MONDO:0100216.
Hereditary cancer-predisposing syndrome. Also called: Neoplastic Syndromes, Hereditary; Tumor predisposition; Hereditary Cancer Syndrome; Hereditary neoplastic syndrome. Identifiers: Orphanet 140162, MedGen C0027672, MeSH D009386, MONDO:0015356.

Allele frequency attached by ClinVar (database versions not stated): TOPMed below 0.00001; gnomAD 0.00001; ExAC 0.00002; gnomAD exomes 0.00002.
gnomAD v4.1: 5 of 1,614,054 alleles (0.00031%); highest among the groups gnomAD compares: Admixed American, 0.0067%; no homozygotes.

Submissions (5):

PreventionGenetics, part of Exact Sciences
Classification: Uncertain significance for DICER1-related condition. Last evaluated: 2025-07-28. Review status: criteria provided, single submitter. Criteria: ACMG Guidelines, 2015. Collection method: clinical testing. Allele origin: germline.
Comment: The DICER1 c.5330T>A variant is predicted to result in the amino acid substitution p.Leu1777His. This variant has been reported in an individual with sporadic Wilms tumor (Wu et al. 2013. PubMed ID: 23620094). This variant is reported in 0.012% of alleles in individuals of Latino descent in gnomAD and has conflicting interpretations of pathogenicity in the ClinVar database ranging from uncertain to likely benign (Variation ID: 579687). At this time, the clinical significance of this variant is uncertain due to the absence of conclusive functional and genetic evidence.

Labcorp Genetics (formerly Invitae), Labcorp
Classification: Uncertain significance for DICER1-related tumor predisposition. Last evaluated: 2025-04-14. Review status: criteria provided, single submitter. Criteria: Invitae Variant Classification Sherloc (09022015). Collection method: clinical testing. Allele origin: germline.
Comment: This sequence change replaces leucine, which is neutral and non-polar, with histidine, which is basic and polar, at codon 1777 of the DICER1 protein (p.Leu1777His). This variant is present in population databases (rs780545199, gnomAD 0.009%). This missense change has been observed in individual(s) with Wilms tumor (PMID: 23620094). ClinVar contains an entry for this variant (Variation ID: 579687). Invitae Evidence Modeling of protein sequence and biophysical properties (such as structural, functional, and spatial information, amino acid conservation, physicochemical variation, residue mobility, and thermodynamic stability) indicates that this missense variant is not expected to disrupt DICER1 protein function with a negative predictive value of 95%. In summary, the available evidence is currently insufficient to determine the role of this variant in disease. Therefore, it has been classified as a Variant of Uncertain Significance.

Ambry Genetics
Classification: Uncertain significance for Hereditary cancer-predisposing syndrome. Last evaluated: 2025-03-05. Review status: criteria provided, single submitter. Criteria: Ambry Variant Classification Scheme 2023. Collection method: clinical testing. Allele origin: germline.
Comment: The p.L1777H variant (also known as c.5330T>A), located in coding exon 23 of the DICER1 gene, results from a T to A substitution at nucleotide position 5330. The leucine at codon 1777 is replaced by histidine, an amino acid with similar properties. This alteration has been reported in an individual with a sporadic Wilms tumor (Wu MK et al. J. Pathol., 2013 Jun;230:154-64). This amino acid position is well conserved in available vertebrate species. In addition, the in silico prediction for this alteration is inconclusive. Based on the available evidence, the clinical significance of this variant remains unclear.

Baylor Genetics
Classification: Uncertain significance for Global developmental delay - lung cysts - overgrowth - Wilms tumor syndrome. Last evaluated: 2023-12-05. Review status: criteria provided, single submitter. Criteria: ACMG Guidelines, 2015. Collection method: clinical testing. Allele origin: unknown.

Foulkes Cancer Genetics LDI, Lady Davis Institute for Medical Research
Classification: Likely benign. Last evaluated: 2019-07-01. Review status: criteria provided, single submitter. Criteria: ACMG Guidelines, 2015. Collection method: curation. Allele origin: germline. Affected: yes. Observed: 1 variant allele.
Comment: ACMG criteria met: PM1, PM2, BS3, BP1, BP4

Literature cited by the submitters: PubMed 23620094 (cited by 3 submitters).

NM_177438.3(DICER1):c.5330T>A (p.Leu1777His)

Gene: DICER1 (dicer 1, ribonuclease III; minus strand). Cytogenetic location: 14q32.13.
Variant type: single nucleotide variant.
Coding change: c.5330T>A on transcript NM_177438.3 (MANE Select); coding-DNA position 5330, T replaced by A.
Protein change: p.Leu1777His; replaces leucine 1777 with histidine.
Molecular consequence: missense variant.
Genome position (GRCh38, 1-based): chr14:95,093,922, A>T on the plus strand (T>A on the coding strand, the complement: DICER1 is on the minus strand). VCF-style: chr14-95093922-A-T. GRCh37 (hg19) VCF-style: chr14-95560259-A-T.
Other names: c.5330T>A, p.Leu1777His (NM_001195573.1, NM_001271282.3, NM_001291628.2 and 1 more transcripts); short protein forms L1777H.
Identifiers: ClinVar variation 579687 (VCV000579687.22), dbSNP rs780545199, ClinGen allele CA7330696.